The following is an entry in ClinVar:

NM_001012302.3(ANO9):c.1350C>T (p.Pro450=)

Gene: ANO9 (anoctamin 9; minus strand). Cytogenetic location: 11p15.5.
Variant type: single nucleotide variant.
Coding change: c.1350C>T on transcript NM_001012302.3 (MANE Select); coding-DNA position 1350, C replaced by T.
Protein change: p.Pro450=; no amino-acid change (proline 450 retained).
Molecular consequence: synonymous variant.
Genome position (GRCh38, 1-based): chr11:421,183, G>A on the plus strand (C>T on the coding strand, the complement: ANO9 is on the minus strand). VCF-style: chr11-421183-G-A. GRCh37 (hg19) VCF-style: chr11-421183-G-A.
Other names: c.918C>T, p.Pro306= (NM_001347882.2).
Identifiers: ClinVar variation 2641049 (VCV002641049.24), dbSNP rs146267683, ClinGen allele CA5777228.

ClinVar aggregate classification (germline): Likely benign (1 of 4 stars; one submission).

Allele frequency attached by ClinVar (database versions not stated): ExAC 0.00015; ESP Exome Variant Server 0.00015; 1000 Genomes Project 30x 0.00016; gnomAD 0.00018; 1000 Genomes Project 0.00020; TOPMed 0.00024.
gnomAD v4.1: 215 of 1,556,396 alleles (0.014%); highest among the groups gnomAD compares: Middle Eastern, 0.49%; no homozygotes.

Submission:

CeGaT Center for Human Genetics Tuebingen
Classification: Likely benign. Last evaluated: 2023-01-01. Review status: criteria provided, single submitter. Criteria: CeGaT Center For Human Genetics Tuebingen Variant Classification Criteria Version 2. Collection method: clinical testing. Allele origin: germline. Affected: yes. Observed: 2 variant alleles.
Comment: ANO9: BP4, BP7